The following is an entry in ClinVar:

ClinVar aggregate classification (germline): Pathogenic/Likely pathogenic. Review status: criteria provided, multiple submitters, no conflicts (2 of 4 stars). 14 submissions from 14 submitters: Pathogenic (12); Likely pathogenic (2). Last evaluated 2026-05-19.

Conditions:
Inherited breast cancer and ovarian cancer.
Familial ovarian cancer. Identifiers: MedGen C5679802, MONDO:0016248.
Breast and/or ovarian cancer. Identifiers: MedGen CN221562.
Hereditary cancer-predisposing syndrome. Also called: Tumor predisposition; Hereditary neoplastic syndrome; Neoplastic Syndromes, Hereditary; Hereditary Cancer Syndrome. Identifiers: Orphanet 140162, MedGen C0027672, MeSH D009386, MONDO:0015356.
Breast-ovarian cancer, familial, susceptibility to, 4. Identifiers: Orphanet 145, MedGen C3280345, MONDO:0013669, OMIM 614291.
Hereditary breast ovarian cancer syndrome. Also called: Hereditary breast and ovarian cancer syndrome (HBOC); Hereditary breast and ovarian cancer; Hereditary breast and ovarian cancer syndrome; Breast and ovarian cancer; Hereditary breast and/or ovarian cancer syndrome; BRCA1- and BRCA2-Associated Hereditary Breast and Ovarian Cancer. Identifiers: Orphanet 145, MedGen C0677776, MeSH D061325, MONDO:0003582. Disease mechanism: loss of function.

Submissions (14):

Genomics and Molecular Medicine Service, East Genomic Laboratory Hub, NHS Genomic Medicine Service
Classification: Likely pathogenic for Inherited breast cancer and ovarian cancer. Last evaluated: 2026-05-19. Review status: criteria provided, single submitter. Criteria: ACGS Best Practice Guidelines for Variant Classification in Rare Disease 2020. Collection method: clinical testing. Allele origin: germline. Affected: yes.
Comment: PVS1,PM5_Supporting

Dasa
Classification: Pathogenic. Last evaluated: 2026-01-29. Review status: criteria provided, single submitter. Criteria: DASA Assertion Criteria. Collection method: clinical testing. Allele origin: germline.
Comment: NM_002878.4(RAD51D):c.748del (p.His250Thrfs*2) is a frameshift variant in RAD51D predicted to alter the reading frame and introduce a premature termination codon and is predicted to result in an absent or altered protein product. Loss of function is an established disease mechanism for RAD51D (PMID: 32359370; PMID: 34923718). This variant has been recurrently observed in individuals with RAD51D-related disorders (PMID: 26681312; PMID: 21822267; PMID: 33008098; PMID: 25452441). Also, this variant is rare in population databases. Based on the currently available evidence, this variant is classified as pathogenic.

Labcorp Genetics (formerly Invitae), Labcorp
Classification: Pathogenic for Breast-ovarian cancer, familial, susceptibility to, 4. Last evaluated: 2025-12-10. Review status: criteria provided, single submitter. Criteria: Invitae Variant Classification Sherloc (09022015). Collection method: clinical testing. Allele origin: germline.
Comment: This sequence change creates a premature translational stop signal (p.His250Thrfs*2) in the RAD51D gene. It is expected to result in an absent or disrupted protein product. Loss-of-function variants in RAD51D are known to be pathogenic (PMID: 21822267). This variant is present in population databases (rs587780105, gnomAD 0.0009%). This premature translational stop signal has been observed in individual(s) with breast and ovarian cancer (PMID: 25452441, 26261251). ClinVar contains an entry for this variant (Variation ID: 127894). For these reasons, this variant has been classified as Pathogenic.

CeGaT Center for Human Genetics Tuebingen
Classification: Pathogenic. Last evaluated: 2025-02-01. Review status: criteria provided, single submitter. Criteria: CeGaT Center For Human Genetics Tuebingen Variant Classification Criteria Version 2. Collection method: clinical testing. Allele origin: germline. Affected: yes. Observed: 1 variant allele.
Comment: RAD51D: PVS1, PS4:Moderate, PM2:Supporting

Ambry Genetics
Classification: Pathogenic for Hereditary cancer-predisposing syndrome. Last evaluated: 2024-10-17. Review status: criteria provided, single submitter. Criteria: Ambry Variant Classification Scheme 2023. Collection method: clinical testing. Allele origin: germline.
Comment: The c.748delC pathogenic mutation, located in coding exon 9 of the RAD51D gene, results from a deletion of one nucleotide at nucleotide position 748, causing a translational frameshift with a predicted alternate stop codon (p.H250Tfs*2). This variant has been detected in multiple breast and/or ovarian cancer cohorts (Couch FJ et al. J Clin Oncol, 2015 Feb;33:304-11; Susswein LR et al. Genet Med, 2016 08;18:823-32; Barbosa A et al. Cancers (Basel), 2020 Sep;12), as well as in a prostate cancer patient (Wu Y et al. Eur Urol Oncol, 2020 04;3:224-230). In one study, this variant was reported in 2 of 60466 breast cancer cases and in 2 of 53461 controls (Dorling et al. N Engl J Med. 2021 02;384:428-439). This variant is considered to be rare based on population cohorts in the Genome Aggregation Database (gnomAD). In addition to the clinical data presented in the literature, this alteration is expected to result in loss of function by premature protein truncation or nonsense-mediated mRNA decay. As such, this alteration is interpreted as a disease-causing mutation.

Color Diagnostics, LLC DBA Color Health
Classification: Pathogenic for Hereditary cancer-predisposing syndrome. Last evaluated: 2024-07-09. Review status: criteria provided, single submitter. Criteria: ACMG Guidelines, 2015. Collection method: clinical testing. Allele origin: germline.
Comment: This variant deletes 1 nucleotide in exon 9 of the RAD51D gene, creating a frameshift and premature translation stop signal. This variant is expected to result in an absent or non-functional protein product. This variant has been observed in five individuals affected with ovarian cancer, including three individuals from the same family (PMID: 26261251, 33008098). This variant has been reported in an individual with triple-negative breast cancer (PMID: 25452441) and in an individual affected with prostate cancer and urogenital-seminoma (PMID: 37723522). This variant has been identified in 1/251058 chromosomes in the general population by the Genome Aggregation Database (gnomAD). Loss of RAD51D function is a known mechanism of disease. Based on the available evidence, this variant is classified as Pathogenic.

Quest Diagnostics Nichols Institute San Juan Capistrano
Classification: Pathogenic. Last evaluated: 2024-04-17. Review status: criteria provided, single submitter. Criteria: Quest Diagnostics criteria. Collection method: clinical testing. Allele origin: unknown.
Comment: The RAD51D c.748del (p.His250Thrfs*2) variant alters the translational reading frame of the RAD51D mRNA and causes the premature termination of RAD51D protein synthesis. This variant has been reported in the published literature in individuals with ovarian cancer (PMIDs: 26261251 (2015), 26681312 (2015), 33008098 (2020)), breast cancer (PMIDs: 25452441 (2015), 26681312 (2015), 33471991 (2021) see also LOVD), and prostate cancer (PMID: 31948886 (2020)). The frequency of this variant in the general population, 0.000004 (1/251058 chromosomes (Genome Aggregation Database)), is consistent with pathogenicity. Based on the available information, this variant is classified as pathogenic.

Baylor Genetics
Classification: Pathogenic for Breast-ovarian cancer, familial, susceptibility to, 4. Last evaluated: 2024-02-24. Review status: criteria provided, single submitter. Criteria: ACMG Guidelines, 2015. Collection method: clinical testing. Allele origin: unknown.

GeneDx
Classification: Pathogenic. Last evaluated: 2024-02-21. Review status: criteria provided, single submitter. Criteria: GeneDx Variant Classification Process June 2021. Collection method: clinical testing. Allele origin: germline. Affected: yes.
Comment: Frameshift variant predicted to result in protein truncation or nonsense mediated decay in a gene for which loss of function is a known mechanism of disease; Not observed at significant frequency in large population cohorts (gnomAD); This variant is associated with the following publications: (PMID: 26681312, 21822267, 25452441, 25445424, 26261251, 28152038, 31948886, 32107557, 28888541, 33804961, 35980532, 35534704, 33471991, 34326862, 33008098)

Molecular Pathology, Peter Maccallum Cancer Centre
Classification: Pathogenic for Familial ovarian cancer. Last evaluated: 2024-01-22. Review status: criteria provided, single submitter. Criteria: ACMG Guidelines, 2015. Collection method: clinical testing. Allele origin: germline. Inheritance: Autosomal dominant inheritance.

Myriad Genetics, Inc.
Classification: Pathogenic for Breast-ovarian cancer, familial, susceptibility to, 4. Last evaluated: 2024-01-05. Review status: criteria provided, single submitter. Criteria: Myriad Autosomal Dominant, Autosomal Recessive and X-Linked Classification Criteria (2023). Collection method: clinical testing. Allele origin: unknown.
Comment: This variant is considered pathogenic. This variant creates a frameshift predicted to result in premature protein truncation.

CHEO Genetics Diagnostic Laboratory, Children's Hospital of Eastern Ontario
Classification: Likely pathogenic for Breast and/or ovarian cancer. Last evaluated: 2019-11-11. Review status: criteria provided, single submitter. Criteria: ACMG Guidelines, 2015. Collection method: clinical testing. Allele origin: germline.

Women's Health and Genetics/Laboratory Corporation of America, LabCorp
Classification: Pathogenic for Hereditary breast ovarian cancer syndrome. Last evaluated: 2017-05-08. Review status: criteria provided, single submitter. Criteria: LabCorp Variant Classification Summary - May 2015. Collection method: clinical testing. Allele origin: germline.
Comment: Variant summary: The RAD51D c.748delC (p.His250Thrfs) variant results in a premature termination codon, predicted to cause a truncated or absent RAD51D protein due to nonsense mediated decay, which are commonly known mechanisms for disease. One in silico tool predicts a damaging outcome for this variant. This variant has been reported in multiple HBOC patients and is absent in 120950 control chromosomes. In addition, multiple clinical diagnostic laboratories/reputable databases classified this variant as pathogenic. Taken together, this variant is classified as pathogenic.

Genesis Genomics
Classification: Pathogenic for Breast-ovarian cancer, familial, susceptibility to, 4. Review status: criteria provided, single submitter. Criteria: ACMG Guidelines, 2015. Collection method: clinical testing. Allele origin: germline. Affected: yes. Observed: 2 variant alleles.

Literature cited by the submitters: PubMed 26681312 (cited by 4 submitters); PubMed 21822267 (cited by Dasa and Labcorp Genetics (formerly Invitae), Labcorp); PubMed 33008098 (cited by 4 submitters); PubMed 25452441 (cited by 5 submitters); PubMed 32359370 (cited by Dasa); PubMed 34923718 (cited by Dasa); PubMed 26261251 (cited by 4 submitters); PubMed 31948886 (cited by Ambry Genetics and Quest Diagnostics Nichols Institute San Juan Capistrano); PubMed 33471991 (cited by Ambry Genetics and Quest Diagnostics Nichols Institute San Juan Capistrano); PubMed 37723522 (cited by Color Diagnostics, LLC DBA Color Health).

NM_002878.4(RAD51D):c.748del (p.His250fs)

Genes: RAD51L3-RFFL (RAD51L3-RFFL readthrough; minus strand), RAD51D (RAD51 paralog D; minus strand). Cytogenetic location: 17q12.
Variant type: Deletion.
Coding change: c.748del on transcript NM_002878.4 (MANE Select); coding-DNA position 748, one base deleted (C; older notation c.748delC).
Protein change: p.His250fs; shifts the reading frame from histidine 250.
Molecular consequence: frameshift variant. On other transcripts: non-coding transcript variant (3).
Genome position (GRCh38, 1-based): chr17:35,101,356, G deleted on the plus strand (C on the coding strand, the reverse complement: RAD51D is on the minus strand); the first of 2 consecutive G bases (chr17:35,101,356-35,101,357); deleting either gives the same sequence. VCF-style (leftmost placement, unchanged base first): chr17-35101355-TG-T. GRCh37 (hg19) VCF-style: chr17-33428374-TG-T.
Other names: c.748delC (NM_002878.3); c.808del, p.His270fs (NM_001142571.2); c.412del, p.His138fs (NM_133629.3); short protein forms H138fs, H270fs, H250fs.
Identifiers: ClinVar variation 127894 (VCV000127894.40), dbSNP rs587780105, ClinGen allele CA287989.